The following is an entry in ClinVar:

NM_001042492.3(NF1):c.3004C>T (p.Leu1002Phe)

Gene: NF1 (neurofibromin 1; plus strand). Cytogenetic location: 17q11.2.
Variant type: single nucleotide variant.
Coding change: c.3004C>T on transcript NM_001042492.3 (MANE Select); coding-DNA position 3004, C replaced by T.
Protein change: p.Leu1002Phe; replaces leucine 1002 with phenylalanine.
Molecular consequence: missense variant.
Genome position (GRCh38, 1-based): chr17:31,230,273, C>T. VCF-style: chr17-31230273-C-T. GRCh37 (hg19) VCF-style: chr17-29557291-C-T.
Other names: c.3004C>T, p.Leu1002Phe (NM_000267.4); short protein forms L1002F.
Identifiers: ClinVar variation 3879106 (VCV003879106.1).

ClinVar aggregate classification (germline): Uncertain significance (1 of 4 stars; one submission).

Conditions:
Cardiovascular phenotype. Identifiers: MedGen CN230736.
Hereditary cancer-predisposing syndrome. Also called: Tumor predisposition; Neoplastic Syndromes, Hereditary; Hereditary Cancer Syndrome; Hereditary neoplastic syndrome. Identifiers: Orphanet 140162, MedGen C0027672, MeSH D009386, MONDO:0015356.

Submission:

Ambry Genetics
Classification: Uncertain significance for Cardiovascular phenotype; Hereditary cancer-predisposing syndrome. Last evaluated: 2025-02-13. Review status: criteria provided, single submitter. Criteria: Ambry Variant Classification Scheme 2023. Collection method: clinical testing. Allele origin: germline.
Comment: The p.L1002F variant (also known as c.3004C>T), located in coding exon 23 of the NF1 gene, results from a C to T substitution at nucleotide position 3004. The leucine at codon 1002 is replaced by phenylalanine, an amino acid with highly similar properties. This amino acid position is conserved. In addition, this alteration is predicted to be tolerated by in silico analysis. Based on the available evidence, the clinical significance of this variant remains unclear.